The following is an entry in ClinVar:

NM_138694.4(PKHD1):c.10868C>T (p.Pro3623Leu)

Gene: PKHD1 (PKHD1 ciliary IPT domain containing fibrocystin/polyductin; minus strand). Cytogenetic location: 6p12.3.
Variant type: single nucleotide variant.
Coding change: c.10868C>T on transcript NM_138694.4 (MANE Select); coding-DNA position 10868, C replaced by T.
Protein change: p.Pro3623Leu; replaces proline 3623 with leucine.
Molecular consequence: missense variant.
Genome position (GRCh38, 1-based): chr6:51,659,258, G>A on the plus strand (C>T on the coding strand, the complement: PKHD1 is on the minus strand). VCF-style: chr6-51659258-G-A. GRCh37 (hg19) VCF-style: chr6-51524056-G-A.
Other names: short protein forms P3623L.
Identifiers: ClinVar variation 5007074 (VCV005007074.2).
Genomic context (GRCh38, chr6:51,659,258, plus strand): 5'-TCCATCATGAGAGGCCTACGTTGACCAACTCTTCTATAATGACTAGTGCAAGTCACAGTA[G>A]GGCAATTGCGCTTTCTTTTTGCTCTACTGTCAGCAATGGCCTTTAAGGTCTCTTCATGGC-3'
Protein context (NP_619639.3, residues 3613-3633): DSRAKRKRNC[Pro3623Leu]TVTCTSHYRR

ClinVar aggregate classification (germline): Uncertain significance (1 of 4 stars; one submission).

Conditions:
Polycystic kidney disease 4 (PKD4). Also called: POLYCYSTIC KIDNEY DISEASE 4 WITH OR WITHOUT POLYCYSTIC LIVER DISEASE; POLYCYSTIC KIDNEY AND HEPATIC DISEASE 1; POLYCYSTIC KIDNEY DISEASE, INFANTILE, TYPE I; PKD3; Autosomal Recessive Polycystic Kidney Disease – PKHD1. Identifiers: MedGen C4540575, MONDO:0033004, OMIM 263200.

gnomAD v4.1: 1 of 1,613,818 alleles (0.000062%); highest among the groups gnomAD compares: Non-Finnish European, 0.000085%; no homozygotes.

Submission:

Juno Genomics, Hangzhou Juno Genomics, Inc
Classification: Uncertain significance for Polycystic kidney disease 4. Review status: criteria provided, single submitter. Criteria: ACMG Guidelines, 2015. Collection method: clinical testing. Allele origin: germline.
Comment: Absent from controls (or at extremely low frequency if recessive) in Genome Aggregation Database.